The following is an entry in ClinVar:

ClinVar aggregate classification (germline): Uncertain significance (1 of 4 stars; one submission).

Conditions:
Inborn genetic diseases. Identifiers: MedGen C0950123, MeSH D030342.

Allele frequency attached by ClinVar (database versions not stated): ExAC 0.00001.
gnomAD v4.1: 93 of 1,614,048 alleles (0.0058%); highest among the groups gnomAD compares: Non-Finnish European, 0.0077%; no homozygotes.

Submission:

Ambry Genetics
Classification: Uncertain significance for Inborn genetic diseases. Last evaluated: 2021-07-13. Review status: criteria provided, single submitter. Criteria: Ambry Variant Classification Scheme 2023. Collection method: clinical testing. Allele origin: germline.
Comment: The p.P1266S variant (also known as c.3796C>T), located in coding exon 8 of the SETX gene, results from a C to T substitution at nucleotide position 3796. The proline at codon 1266 is replaced by serine, an amino acid with similar properties. This amino acid position is conserved. In addition, this alteration is predicted to be deleterious by in silico analysis. Since supporting evidence is limited at this time, the clinical significance of this alteration remains unclear.

NM_015046.7(SETX):c.3796C>T (p.Pro1266Ser)

Gene: SETX (senataxin; minus strand). Cytogenetic location: 9q34.13.
Variant type: single nucleotide variant.
Coding change: c.3796C>T on transcript NM_015046.7 (MANE Select); coding-DNA position 3796, C replaced by T.
Protein change: p.Pro1266Ser; replaces proline 1266 with serine.
Molecular consequence: missense variant.
Genome position (GRCh38, 1-based): chr9:132,327,802, G>A on the plus strand (C>T on the coding strand, the complement: SETX is on the minus strand). VCF-style: chr9-132327802-G-A. GRCh37 (hg19) VCF-style: chr9-135203189-G-A.
Other names: c.3796C>T, p.Pro1266Ser (NM_001351527.2, NM_001351528.2); short protein forms P1266S.
Identifiers: ClinVar variation 1734985 (VCV001734985.2), dbSNP rs751603620, ClinGen allele CA5297328.